The following is an entry in ClinVar:

NM_000207.3(INS):c.-9C>T

Genes: INS (insulin; minus strand), INS-IGF2 (INS-IGF2 readthrough; minus strand). Cytogenetic location: 11p15.5.
Variant type: single nucleotide variant.
Coding change: c.-9C>T on transcript NM_000207.3 (MANE Select); 9 bases upstream of the start codon, C replaced by T.
Molecular consequence: 5 prime UTR variant. On other transcripts: non-coding transcript variant (1).
Genome position (GRCh38, 1-based): chr11:2,160,980, G>A on the plus strand (C>T on the coding strand, the complement: INS is on the minus strand). VCF-style: chr11-2160980-G-A. GRCh37 (hg19) VCF-style: chr11-2182210-G-A.
Other names: c.-9C>T (NM_001185097.2, NM_001185098.2, NM_001291897.2 and 1 more transcripts).
Identifiers: ClinVar variation 36399 (VCV000036399.37), dbSNP rs5505, ClinGen allele CA214062.

ClinVar aggregate classification (germline): Benign/Likely benign. Review status: criteria provided, multiple submitters, no conflicts (2 of 4 stars). 8 submissions from 8 submitters: Benign (4); Likely benign (4). Last evaluated 2026-07-01.

Conditions:
Diabetes mellitus, permanent neonatal 4. Also called: INS-Related Permanent Neonatal Diabetes Mellitus. Identifiers: MedGen C5394307, MONDO:0030089, OMIM 618858.
Neonatal diabetes mellitus (NDM). Identifiers: Orphanet 224, MedGen C0158981, MONDO:0016391.
Maturity-onset diabetes of the young type 10. Identifiers: Orphanet 552, MedGen C3150617, MONDO:0013240, OMIM 613370.

Allele frequency attached by ClinVar (database versions not stated): 1000 Genomes Project 30x 0.00562; 1000 Genomes Project 0.00579; TOPMed 0.00652; ExAC 0.00790; ESP Exome Variant Server 0.00825; gnomAD exomes 0.00862 and 0.01183; gnomAD 0.00877 and 0.00878.

Submissions (8):

CeGaT Center for Human Genetics Tuebingen
Classification: Benign. Last evaluated: 2026-07-01. Review status: criteria provided, single submitter. Criteria: CeGaT Center For Human Genetics Tuebingen Variant Classification Criteria Version 2. Collection method: clinical testing. Allele origin: germline. Affected: yes. Observed: 4 variant alleles.
Comment: INS: BS1, BS2

Blueprint Genetics
Classification: Likely benign. Last evaluated: 2024-11-26. Review status: criteria provided, single submitter. Criteria: ACMG Guidelines, 2015. Collection method: clinical testing. Allele origin: germline.

GeneDx
Classification: Likely benign. Last evaluated: 2019-04-16. Review status: criteria provided, single submitter. Criteria: GeneDx Variant Classification Process June 2021. Collection method: clinical testing. Allele origin: germline. Affected: yes.

Illumina Laboratory Services, Illumina
Classification: Benign for Maturity-onset diabetes of the young type 10. Last evaluated: 2018-01-12. Review status: criteria provided, single submitter. Criteria: ICSL Variant Classification Criteria 13 December 2019. Collection method: clinical testing. Allele origin: germline.
Comment: This variant was observed in the ICSL laboratory as part of a predisposition screen in an ostensibly healthy population. It had not been previously curated by ICSL or reported in the Human Gene Mutation Database (HGMD: prior to June 1st, 2018), and was therefore a candidate for classification through an automated scoring system. Utilizing variant allele frequency, disease prevalence and penetrance estimates, and inheritance mode, an automated score was calculated to assess if this variant is too frequent to cause the disease. Based on the score and internal cut-off values, a variant classified as benign is not then subjected to further curation. The score for this variant resulted in a classification of benign for this disease.

Women's Health and Genetics/Laboratory Corporation of America, LabCorp
Classification: Benign for Neonatal Diabetes Mellitus. Last evaluated: 2011-08-18. Review status: criteria provided, single submitter. Criteria: LabCorp Variant Classification Summary - May 2015. Collection method: curation, clinical testing. Allele origin: germline. Inheritance: autosomal unknown. Affected: yes.
ClinVar note: Converted during submission from benign to Benign.

Breakthrough Genomics
Classification: Likely benign. Review status: criteria provided, single submitter. Criteria: ACMG Guidelines, 2015. Collection method: not provided. Allele origin: germline. Inheritance: Autosomal dominant inheritance. Affected: yes.

Clinical Genomics, Uppaluri K&H Personalized Medicine Clinic
Classification: Likely benign for Diabetes mellitus, permanent neonatal 4. Review status: criteria provided, single submitter. Criteria: K &amp; H Uppaluri Personalized Medicine Clinic Variant Classification &amp; Assertion Criteria_Updated V.1. Collection method: research. Allele origin: unknown. Inheritance: Autosomal dominant inheritance.
Comment: Potent mutations in the INS gene can cause early onset diabetes mellitus which is insulin dependent. May have poor response to sulfonylureas, mutations in this gene can cause beta cell destruction. However, more evidence is required to confer the association of this particular variant rs5505 with Neonatal diabetes mellitus(PNDM).

PreventionGenetics, part of Exact Sciences
Classification: Benign. Review status: criteria provided, single submitter. Criteria: ACMG Guidelines, 2015. Collection method: clinical testing. Allele origin: germline.

Literature cited by the submitters: PubMed 27635400 (cited by Clinical Genomics, Uppaluri K&H Personalized Medicine Clinic).